The following is an entry in ClinVar:

ClinVar aggregate classification (germline): Uncertain significance. Review status: criteria provided, multiple submitters, no conflicts (2 of 4 stars). 3 submissions from 3 submitters: Uncertain significance (3). Last evaluated 2023-10-30.

Conditions:
Age related macular degeneration 1 (ARMD1). Also called: MACULOPATHY, AGE-RELATED, 1. Identifiers: MedGen C1864205, MONDO:0011285, OMIM 603075.

Allele frequency attached by ClinVar (database versions not stated): TOPMed below 0.00001; gnomAD exomes 0.00001; ExAC 0.00002.

Submissions (3):

Labcorp Genetics (formerly Invitae), Labcorp
Classification: Uncertain significance. Last evaluated: 2023-10-30. Review status: criteria provided, single submitter. Criteria: Invitae Variant Classification Sherloc (09022015). Collection method: clinical testing. Allele origin: germline.
Comment: This sequence change replaces cysteine, which is neutral and slightly polar, with tyrosine, which is neutral and polar, at codon 5298 of the HMCN1 protein (p.Cys5298Tyr). This variant is present in population databases (rs758578384, gnomAD 0.01%). This variant has not been reported in the literature in individuals affected with HMCN1-related conditions. ClinVar contains an entry for this variant (Variation ID: 2186377). An algorithm developed to predict the effect of missense changes on protein structure and function (PolyPhen-2) suggests that this variant is likely to be disruptive. In summary, the available evidence is currently insufficient to determine the role of this variant in disease. Therefore, it has been classified as a Variant of Uncertain Significance.

Genome-Nilou Lab
Classification: Uncertain significance for Age related macular degeneration 1. Last evaluated: 2023-04-11. Review status: criteria provided, single submitter. Criteria: ACMG Guidelines, 2015. Collection method: clinical testing. Allele origin: germline. Affected: no.

Ambry Genetics
Classification: Uncertain significance. Last evaluated: 2022-08-02. Review status: criteria provided, single submitter. Criteria: Ambry Variant Classification Scheme 2023. Collection method: clinical testing. Allele origin: germline.

NM_031935.3(HMCN1):c.15893G>A (p.Cys5298Tyr)

Gene: HMCN1 (hemicentin 1; plus strand). Cytogenetic location: 1q31.1.
Variant type: single nucleotide variant.
Coding change: c.15893G>A on transcript NM_031935.3 (MANE Select); coding-DNA position 15893, G replaced by A.
Protein change: p.Cys5298Tyr; replaces cysteine 5298 with tyrosine.
Molecular consequence: missense variant.
Genome position (GRCh38, 1-based): chr1:186,174,592, G>A. VCF-style: chr1-186174592-G-A. GRCh37 (hg19) VCF-style: chr1-186143724-G-A.
Other names: c.15893G>A (NM_031935.2); short protein forms C5298Y.
Identifiers: ClinVar variation 2186377 (VCV002186377.6), dbSNP rs758578384, ClinGen allele CA1295416.